The following is an entry in ClinVar:

NM_139058.3(ARX):c.602C>A (p.Pro201Gln)

Gene: ARX (aristaless related homeobox; minus strand). Cytogenetic location: Xp21.3.
Variant type: single nucleotide variant.
Coding change: c.602C>A on transcript NM_139058.3 (MANE Select); coding-DNA position 602, C replaced by A.
Protein change: p.Pro201Gln; replaces proline 201 with glutamine.
Molecular consequence: missense variant.
Genome position (GRCh38, 1-based): chrX:25,013,393, G>T on the plus strand (C>A on the coding strand, the complement: ARX is on the minus strand). VCF-style: chrX-25013393-G-T. GRCh37 (hg19) VCF-style: chrX-25031510-G-T.
Other names: short protein forms P201Q.
Identifiers: ClinVar variation 540225 (VCV000540225.11), dbSNP rs1484238484, ClinGen allele CA412612826.
Genomic context (GRCh38, chrX:25,013,393, plus strand): 5'-GTGCCACCACCCGCAGCCGGGGCGCTGCCCGGGCCGCCGGCCACGCCGAGGCGCTCCTCC[G>T]GGTGCGTGACGCCCCCCGGGCCGCCCAGCTCGTCCAGCGCGGGCGGCGGCGGCACGAAGG-3'
Protein context (NP_620689.1, residues 191-211): ELGGPGGVTH[Pro201Gln]EERLGVAGGP

ClinVar aggregate classification (germline): Likely benign. Review status: criteria provided, single submitter (1 of 4 stars). 2 submissions from 2 submitters: Likely benign (1). 1 of the submissions does not count toward it. Last evaluated 2024-10-16.

Conditions:
ARX-related disorder. Also called: ARX-Related Disorders; ARX-related condition. Identifiers: MedGen CN378769.
Intellectual disability, X-linked, with or without seizures, ARX-related. Also called: INTELLECTUAL DEVELOPMENTAL DISORDER, X-LINKED 29; Mental retardation, X-linked 52; MENTAL RETARDATION, X-LINKED 29; MENTAL RETARDATION, X-LINKED 32; MENTAL RETARDATION, X-LINKED 33; MENTAL RETARDATION, X-LINKED 38. Identifiers: Orphanet 777, MedGen C0796244, MONDO:0010317, OMIM 300419.
Developmental and epileptic encephalopathy, 1 (DEE1). Also called: OHTAHARA SYNDROME, X-LINKED; X-linked infantile spasms; West's syndrome; Tonic spasms with clustering, arrest of psychomotor development and hypsarrhythmia on EEG; X-Linked Infantile Spasm Syndrome; Epileptic encephalopathy, early infantile, 1. Identifiers: MedGen C3463992, MONDO:0010632, OMIM 308350. Disease mechanism: loss of function.

Allele frequency attached by ClinVar (database versions not stated): TOPMed below 0.00001; gnomAD exomes 0.00001 and 0.00006.
gnomAD v4.1: 3 of 1,097,145 alleles (0.00027%); highest among the groups gnomAD compares: Admixed American, 0.0065%; no homozygotes.

Submissions (2):

Labcorp Genetics (formerly Invitae), Labcorp
Classification: Likely benign for Developmental and epileptic encephalopathy, 1; Intellectual disability, X-linked, with or without seizures, ARX-related. Last evaluated: 2024-10-16. Review status: criteria provided, single submitter. Criteria: Invitae Variant Classification Sherloc (09022015). Collection method: clinical testing. Allele origin: germline.

PreventionGenetics, part of Exact Sciences
Classification: Likely benign for ARX-related condition. Last evaluated: 2023-03-14. Review status: no assertion criteria provided. Collection method: clinical testing. Allele origin: germline. Not counted in ClinVar's aggregate classification.
Comment: This variant is classified as likely benign based on ACMG/AMP sequence variant interpretation guidelines (Richards et al. 2015 PMID: 25741868, with internal and published modifications).